The following is an entry in ClinVar:

NM_001378609.3(OTOGL):c.5617C>A (p.Pro1873Thr)

Gene: OTOGL (otogelin like; plus strand). Cytogenetic location: 12q21.31.
Variant type: single nucleotide variant.
Coding change: c.5617C>A on transcript NM_001378609.3 (MANE Select); coding-DNA position 5617, C replaced by A.
Protein change: p.Pro1873Thr; replaces proline 1873 with threonine.
Molecular consequence: missense variant.
Genome position (GRCh38, 1-based): chr12:80,355,759, C>A. VCF-style: chr12-80355759-C-A. GRCh37 (hg19) VCF-style: chr12-80749539-C-A.
Other names: c.5482C>A, p.Pro1828Thr (NM_001368062.3); c.5617C>A, p.Pro1873Thr (NM_001378610.3, NM_173591.7); short protein forms P1864T, P1828T, P1873T.
Identifiers: ClinVar variation 226959 (VCV000226959.23), dbSNP rs141867785, ClinGen allele CA6701766.

ClinVar aggregate classification (germline): Benign/Likely benign. Review status: criteria provided, multiple submitters, no conflicts (2 of 4 stars). 4 submissions from 4 submitters: Benign (1); Likely benign (3). Last evaluated 2026-01-21.

Conditions:
OTOGL-related disorder. Also called: OTOGL-related condition.

Allele frequency attached by ClinVar (database versions not stated): gnomAD exomes 0.00026; ExAC 0.00033; gnomAD 0.00092 and 0.00098; ESP Exome Variant Server 0.00100; TOPMed 0.00110; 1000 Genomes Project 30x 0.00125; 1000 Genomes Project 0.00160.
gnomAD v4.1: 289 of 1,613,640 alleles (0.018%); highest among the groups gnomAD compares: African/African-American, 0.34%; 1 homozygote.

Submissions (4):

Labcorp Genetics (formerly Invitae), Labcorp
Classification: Likely benign. Last evaluated: 2026-01-21. Review status: criteria provided, single submitter. Criteria: Invitae Variant Classification Sherloc (09022015). Collection method: clinical testing. Allele origin: germline.

CeGaT Center for Human Genetics Tuebingen
Classification: Likely benign. Last evaluated: 2025-06-01. Review status: criteria provided, single submitter. Criteria: CeGaT Center For Human Genetics Tuebingen Variant Classification Criteria Version 2. Collection method: clinical testing. Allele origin: germline. Affected: yes. Observed: 1 variant allele.
Comment: OTOGL: BP4

PreventionGenetics, part of Exact Sciences
Classification: Likely benign for OTOGL-related condition. Last evaluated: 2024-12-17. Review status: criteria provided, single submitter. Criteria: ACMG Guidelines, 2015. Collection method: clinical testing. Allele origin: germline.
Comment: This variant is classified as likely benign based on ACMG/AMP sequence variant interpretation guidelines (Richards et al. 2015 PMID: 25741868, with internal and published modifications).

Laboratory for Molecular Medicine, Mass General Brigham Personalized Medicine
Classification: Benign. Last evaluated: 2015-07-21. Review status: criteria provided, single submitter. Criteria: LMM Criteria. Collection method: clinical testing. Allele origin: germline. Observed: 2 variant alleles.
Comment: p.Pro1864Thr in exon 46 of OTOGL: This variant is not expected to have clinical significance because it has been identified in 0.4% (37/9782) of African chromos omes by the Exome Aggregation Consortium (ExAC; dbSNP rs141867785).